The following is an entry in ClinVar:

NM_002778.4(PSAP):c.1350G>A (p.Gln450=)

Gene: PSAP (prosaposin; minus strand). Cytogenetic location: 10q22.1.
Variant type: single nucleotide variant.
Coding change: c.1350G>A on transcript NM_002778.4 (MANE Select); coding-DNA position 1350, G replaced by A.
Protein change: p.Gln450=; no amino-acid change (glutamine 450 retained).
Molecular consequence: synonymous variant.
Genome position (GRCh38, 1-based): chr10:71,819,465, C>T on the plus strand (G>A on the coding strand, the complement: PSAP is on the minus strand). VCF-style: chr10-71819465-C-T. GRCh37 (hg19) VCF-style: chr10-73579222-C-T.
Other names: c.1359G>A, p.Gln453= (NM_001042465.3); c.1356G>A, p.Gln452= (NM_001042466.3).
Identifiers: ClinVar variation 2282953 (VCV002282953.2), dbSNP rs1333118445, ClinGen allele CA470059927.

ClinVar aggregate classification (germline): Uncertain significance (1 of 4 stars; one submission).

Conditions:
Inborn genetic diseases. Identifiers: MedGen C0950123, MeSH D030342.

Allele frequency attached by ClinVar (database versions not stated): gnomAD exomes below 0.00001; TOPMed below 0.00001.
gnomAD v4.1: 1 of 1,614,176 alleles (0.000062%); highest among the groups gnomAD compares: Admixed American, 0.0017%; no homozygotes.

Submission:

Ambry Genetics
Classification: Uncertain significance for Inborn genetic diseases. Last evaluated: 2022-04-29. Review status: criteria provided, single submitter. Criteria: Ambry Variant Classification Scheme 2023. Collection method: clinical testing. Allele origin: germline.
Comment: Occurs in the last base pair of the exon Based on insufficient or conflicting evidence, the clinical significance of this alteration remains unclear.